The following is an entry in ClinVar:

NM_018238.4(AGK):c.1132-10_1132-9del

Gene: AGK (acylglycerol kinase; plus strand). Cytogenetic location: 7q34.
Variant type: Deletion.
Coding change: c.1132-10_1132-9del on transcript NM_018238.4 (MANE Select); 10 bases into the intron before coding-DNA position 1132 through 9 bases into the intron before coding-DNA position 1132, 2 bases deleted (TT; older notation c.1132-10_1132-9delTT).
Molecular consequence: intron variant.
Genome position (GRCh38, 1-based): chr7:141,652,777-141,652,778, TT deleted. VCF-style (leftmost placement, unchanged base first): chr7-141652776-CTT-C. GRCh37 (hg19) VCF-style: chr7-141352576-CTT-C.
Identifiers: ClinVar variation 2926256 (VCV002926256.3), dbSNP rs1411508079, ClinGen allele CA578623588.

ClinVar aggregate classification (germline): Uncertain significance (1 of 4 stars; one submission).

Conditions:
Cataract 38. Also called: Cataract, autosomal recessive congenital 5; Cataract 38, autosomal recessive. Identifiers: Orphanet 91492, MedGen C3553494, MONDO:0013859, OMIM 614691.
Sengers syndrome. Also called: MITOCHONDRIAL DNA DEPLETION SYNDROME 10 (CARDIOMYOPATHIC TYPE); Cardiomyopathy and cataract. Identifiers: Orphanet 1369, MedGen C1859317, MONDO:0008922, OMIM 212350.

Allele frequency attached by ClinVar (database versions not stated): gnomAD 0.00003; TOPMed 0.00004.

Submission:

Labcorp Genetics (formerly Invitae), Labcorp
Classification: Uncertain significance for Sengers syndrome; Cataract 38. Last evaluated: 2023-05-24. Review status: criteria provided, single submitter. Criteria: Invitae Variant Classification Sherloc (09022015). Collection method: clinical testing. Allele origin: germline.
Comment: In summary, the available evidence is currently insufficient to determine the role of this variant in disease. Therefore, it has been classified as a Variant of Uncertain Significance. Algorithms developed to predict the effect of sequence changes on RNA splicing suggest that this variant may disrupt the consensus splice site. This variant has not been reported in the literature in individuals affected with AGK-related conditions. This variant is present in population databases (no rsID available, gnomAD 0.007%). This sequence change falls in intron 15 of the AGK gene. It does not directly change the encoded amino acid sequence of the AGK protein.